The following is an entry in ClinVar:

NM_182961.4(SYNE1):c.22585G>A (p.Asp7529Asn)

Gene: SYNE1 (spectrin repeat containing nuclear envelope protein 1; minus strand). Cytogenetic location: 6q25.2.
Variant type: single nucleotide variant.
Coding change: c.22585G>A on transcript NM_182961.4 (MANE Select); coding-DNA position 22585, G replaced by A.
Protein change: p.Asp7529Asn; replaces aspartic acid 7529 with asparagine.
Molecular consequence: missense variant.
Genome position (GRCh38, 1-based): chr6:152,211,498, C>T on the plus strand (G>A on the coding strand, the complement: SYNE1 is on the minus strand). VCF-style: chr6-152211498-C-T. GRCh37 (hg19) VCF-style: chr6-152532633-C-T.
Other names: c.22372G>A, p.Asp7458Asn (NM_033071.5); short protein forms D7458N, D7529N.
Identifiers: ClinVar variation 4794494 (VCV004794494.1).

ClinVar aggregate classification (germline): Uncertain significance (1 of 4 stars; one submission).

Conditions:
Emery-Dreifuss muscular dystrophy 4, autosomal dominant (EDMD4). Also called: EMERY-DREIFUSS MUSCULAR DYSTROPHY 4 WITH VARIABLE FEATURES. Identifiers: Orphanet 261, MedGen C2751807, MONDO:0013071, OMIM 612998.
Autosomal recessive ataxia, Beauce type. Also called: Spinocerebellar ataxia, autosomal recessive 8; ATAXIA, RECESSIVE, OF BEAUCE; SYNE1 Deficiency; SYNE1-Related Autosomal Recessive Cerebellar Ataxia. Identifiers: Orphanet 88644, MedGen C1853116, MONDO:0012549, OMIM 610743.

Submission:

Labcorp Genetics (formerly Invitae), Labcorp
Classification: Uncertain significance for Emery-Dreifuss muscular dystrophy 4, autosomal dominant; Autosomal recessive ataxia, Beauce type. Last evaluated: 2025-04-11. Review status: criteria provided, single submitter. Criteria: Invitae Variant Classification Sherloc (09022015). Collection method: clinical testing. Allele origin: germline.
Comment: This sequence change replaces aspartic acid, which is acidic and polar, with asparagine, which is neutral and polar, at codon 7458 of the SYNE1 protein (p.Asp7458Asn). This variant is not present in population databases (gnomAD no frequency). This variant has not been reported in the literature in individuals affected with SYNE1-related conditions. An algorithm developed to predict the effect of missense changes on protein structure and function (PolyPhen-2) suggests that this variant is likely to be disruptive. In summary, the available evidence is currently insufficient to determine the role of this variant in disease. Therefore, it has been classified as a Variant of Uncertain Significance.